The following continues an entry in ClinVar:

NC_012920.1(MT-RNR1):m.1555A>G

ClinVar aggregate classification (germline): Pathogenic; drug response. Pathogenic (1).

Submissions 23 to 28 of 28:

Equipe Genetique des Anomalies du Developpement, Université de Bourgogne
Classification: drug response for Aminoglycoside-induced deafness. Last evaluated: 2018-09-25. Review status: no assertion criteria provided. Collection method: research. Allele origin: unknown. Affected: no. Observed: 2 variant alleles. Not counted in ClinVar's aggregate classification.

GeneReviews
Classification: Pathogenic for Mitochondrial non-syndromic sensorineural hearing loss. Last evaluated: 2018-06-14. Review status: no assertion criteria provided. Collection method: literature only. Allele origin: maternal. Not counted in ClinVar's aggregate classification.

Donald Williams Parsons Laboratory, Baylor College of Medicine
Classification: Pathogenic for Aminoglycoside-induced deafness; Mitochondrial non-syndromic sensorineural hearing loss. Last evaluated: 2014-02-27. Review status: no assertion criteria provided. Collection method: research. Allele origin: somatic. Inheritance: Mitochondrial inheritance. Observed: 1 variant allele. Study: CSER-BASIC3. Not counted in ClinVar's aggregate classification.
Comment: This variant has been previously reported as disease-causing.

OMIM
Classification: Pathogenic for DEAFNESS, AMINOGLYCOSIDE-INDUCED. Last evaluated: 2008-12-26. Review status: no assertion criteria provided. Collection method: literature only. Allele origin: germline. Not counted in ClinVar's aggregate classification.

OMIM
Classification: Pathogenic for DEAFNESS, NONSYNDROMIC SENSORINEURAL, MITOCHONDRIAL. Last evaluated: 2008-12-26. Review status: no assertion criteria provided. Collection method: literature only. Allele origin: germline. Not counted in ClinVar's aggregate classification.

OMIM
Classification: Pathogenic for CARDIOMYOPATHY, RESTRICTIVE. Last evaluated: 2008-12-26. Review status: no assertion criteria provided. Collection method: literature only. Allele origin: germline. Not counted in ClinVar's aggregate classification.

Literature cited by the submitters: PubMed 8687424 (cited by 4 submitters); PubMed 8817331 (cited by ClinGen Mitochondrial Disease Nuclear and Mitochondrial  Variant Curation Expert Panel, ClinGen and Diagnostics Centre, Carl Von Ossietzky University Oldenburg); PubMed 9915970 (cited by 5 submitters); PubMed 11230176 (cited by 3 submitters); PubMed 10633132 (cited by ClinPGx and Laboratory for Molecular Medicine, Mass General Brigham Personalized Medicine); PubMed 11857751 (cited by ClinPGx); PubMed 14699607 (cited by ClinPGx); PubMed 15841390 (cited by ClinPGx); PubMed 15917167 (cited by ClinPGx); PubMed 16152638 (cited by ClinPGx and OMIM); PubMed 16168391 (cited by ClinPGx); PubMed 16458854 (cited by 3 submitters); PubMed 16955413 (cited by ClinPGx); PubMed 17341440 (cited by 3 submitters); PubMed 17999439 (cited by ClinPGx); PubMed 18386806 (cited by ClinPGx); PubMed 18790089 (cited by ClinPGx and Donald Williams Parsons Laboratory, Baylor College of Medicine); PubMed 18820594 (cited by ClinPGx); PubMed 19835846 (cited by ClinPGx); PubMed 20100600 (cited by ClinPGx and Laboratory for Molecular Medicine, Mass General Brigham Personalized Medicine); PubMed 20111055 (cited by ClinPGx); PubMed 21162657 (cited by ClinPGx); PubMed 21205314 (cited by ClinPGx); PubMed 21504270 (cited by ClinPGx); PubMed 21725156 (cited by ClinPGx); PubMed 21777984 (cited by ClinPGx and Laboratory for Molecular Medicine, Mass General Brigham Personalized Medicine); PubMed 22475488 (cited by ClinPGx); PubMed 22879993 (cited by ClinPGx); PubMed 23256547 (cited by ClinPGx); PubMed 25515069 (cited by ClinPGx and Diagnostics Centre, Carl Von Ossietzky University Oldenburg); PubMed 25744662 (cited by ClinPGx); PubMed 29805548 (cited by ClinPGx and Diagnostics Centre, Carl Von Ossietzky University Oldenburg); PubMed 8285309 (cited by ClinPGx and OLLIN Analises Genomicas, OLLIN); PubMed 9111378 (cited by 3 submitters); PubMed 9490575 (cited by 4 submitters); PubMed 15708009 (cited by ClinPGx and OMIM); PubMed 16375862 (cited by ClinPGx and OMIM); PubMed 17637808 (cited by ClinPGx); PubMed 17723226 (cited by ClinPGx); PubMed 19376484 (cited by ClinPGx); PubMed 19687236 (cited by ClinPGx); PubMed 19818876 (cited by 3 submitters); PubMed 20353758 (cited by ClinPGx); PubMed 20416460 (cited by ClinPGx); PubMed 21495045 (cited by ClinPGx); PubMed 24252789 (cited by 3 submitters); PubMed 24703164 (cited by ClinPGx); PubMed 25155176 (cited by ClinPGx); PubMed 26497601 (cited by ClinPGx); PubMed 8414970 (cited by ClinPGx and OLLIN Analises Genomicas, OLLIN); PubMed 9164619 (cited by ClinPGx); PubMed 9315872 (cited by ClinPGx); PubMed 10661905 (cited by 3 submitters); PubMed 27427311 (cited by ClinPGx); PubMed 12127547 (cited by ClinPGx); PubMed 11174059 (cited by ClinPGx); PubMed 11870684 (cited by 3 submitters); PubMed 12031626 (cited by ClinPGx and OLLIN Analises Genomicas, OLLIN); PubMed 12054632 (cited by ClinPGx); PubMed 12920080 (cited by 5 submitters); PubMed 14755216 (cited by ClinPGx and OMIM); PubMed 16631122 (cited by 3 submitters); PubMed 16935512 (cited by ClinPGx and OLLIN Analises Genomicas, OLLIN); PubMed 7689389 (cited by 4 submitters); PubMed 9039999 (cited by 4 submitters); PubMed 9391883 (cited by ClinPGx and OMIM); PubMed 9779807 (cited by ClinPGx and OMIM); PubMed 9831149 (cited by ClinPGx and OLLIN Analises Genomicas, OLLIN); PubMed 9950117 (cited by ClinPGx); PubMed 18830133 (cited by ClinPGx); PubMed 1613771 (cited by OLLIN Analises Genomicas, OLLIN and Laboratory for Molecular Medicine, Mass General Brigham Personalized Medicine); PubMed 9040738 (cited by OLLIN Analises Genomicas, OLLIN and Variantyx, Inc.); PubMed 20123042 (cited by OLLIN Analises Genomicas, OLLIN); PubMed 22317974 (cited by OLLIN Analises Genomicas, OLLIN and Rady Children's Institute for Genomic Medicine, Rady Children's Hospital San Diego); PubMed 23357420 (cited by OLLIN Analises Genomicas, OLLIN and Rady Children's Institute for Genomic Medicine, Rady Children's Hospital San Diego); PubMed 34032273 (cited by Genetics and Molecular Pathology, SA Pathology); PubMed 24533451 (cited by Variantyx, Inc.); PubMed 9887373 (cited by Rady Children's Institute for Genomic Medicine, Rady Children's Hospital San Diego and OMIM); PubMed 20301353 (cited by Rady Children's Institute for Genomic Medicine, Rady Children's Hospital San Diego); PubMed 20301595 (cited by 3 submitters); PubMed 25738459 (cited by Rady Children's Institute for Genomic Medicine, Rady Children's Hospital San Diego); PubMed 26657166 (cited by Rady Children's Institute for Genomic Medicine, Rady Children's Hospital San Diego); PubMed 28104394 (cited by Rady Children's Institute for Genomic Medicine, Rady Children's Hospital San Diego); PubMed 29340697 (cited by Rady Children's Institute for Genomic Medicine, Rady Children's Hospital San Diego); PubMed 29983246 (cited by Rady Children's Institute for Genomic Medicine, Rady Children's Hospital San Diego); PubMed 32867169 (cited by Rady Children's Institute for Genomic Medicine, Rady Children's Hospital San Diego); PubMed 33468709 (cited by Rady Children's Institute for Genomic Medicine, Rady Children's Hospital San Diego); PubMed 17698299 (cited by New York Genome Center); PubMed 22223843 (cited by Medical Genetics Summaries and Laboratory for Molecular Medicine, Mass General Brigham Personalized Medicine); PubMed 19196684 (cited by Medical Genetics Summaries and Laboratory for Molecular Medicine, Mass General Brigham Personalized Medicine); PubMed 24651602 (cited by Medical Genetics Summaries); PubMed 21047563 (cited by Medical Genetics Summaries and Equipe Genetique des Anomalies du Developpement, Université de Bourgogne); PubMed 19196685 (cited by Medical Genetics Summaries); PubMed 21811586 (cited by Laboratory for Molecular Medicine, Mass General Brigham Personalized Medicine); PubMed 21329993 (cited by Laboratory for Molecular Medicine, Mass General Brigham Personalized Medicine); PubMed 21828074 (cited by Laboratory for Molecular Medicine, Mass General Brigham Personalized Medicine); PubMed 23525847 (cited by Laboratory for Molecular Medicine, Mass General Brigham Personalized Medicine); PubMed 20172897 (cited by Laboratory for Molecular Medicine, Mass General Brigham Personalized Medicine); PubMed 19475720 (cited by Laboratory for Molecular Medicine, Mass General Brigham Personalized Medicine); PubMed 12624722 (cited by Laboratory for Molecular Medicine, Mass General Brigham Personalized Medicine and OMIM); Ballana (cited by GeneReviews); PubMed 26822237 (cited by Donald Williams Parsons Laboratory, Baylor College of Medicine); Hutchin, T. P., Stoneking, M., Qiu, W. Q., Fischel-Ghodsian, N., Cortopassi, G. Association of a particular point mutation of the mitochondrial DNA with aminoglycoside-induced deafness. (Abstract) Am. J. Hum. Genet. 53 (suppl.): A20-only, 1993. (cited by OMIM); PubMed 10577941 (cited by OMIM); PubMed 10521300 (cited by OMIM); PubMed 10915767 (cited by OMIM); PubMed 10788333 (cited by OMIM); PubMed 11388757 (cited by OMIM); PubMed 12939650 (cited by OMIM); PubMed 12372057 (cited by OMIM); PubMed 12955586 (cited by OMIM); PubMed 12655418 (cited by OMIM); PubMed 16826519 (cited by OMIM); PubMed 28049726 (cited by OMIM); PubMed 18983818 (cited by OMIM).